The following is an entry in ClinVar:

NM_005045.4(RELN):c.1591C>A (p.Leu531Ile)

Gene: RELN (reelin; minus strand). Cytogenetic location: 7q22.1.
Variant type: single nucleotide variant.
Coding change: c.1591C>A on transcript NM_005045.4 (MANE Select); coding-DNA position 1591, C replaced by A.
Protein change: p.Leu531Ile; replaces leucine 531 with isoleucine.
Molecular consequence: missense variant.
Genome position (GRCh38, 1-based): chr7:103,652,723, G>T on the plus strand (C>A on the coding strand, the complement: RELN is on the minus strand). VCF-style: chr7-103652723-G-T. GRCh37 (hg19) VCF-style: chr7-103293170-G-T.
Other names: c.1591C>A, p.Leu531Ile (NM_173054.3); short protein forms L531I.
Identifiers: ClinVar variation 2120529 (VCV002120529.4), dbSNP rs752622372, ClinGen allele CA4422216.

ClinVar aggregate classification (germline): Uncertain significance (1 of 4 stars; one submission).

Conditions:
Norman-Roberts syndrome (LIS2). Also called: Lissencephaly 2 (Norman-Roberts type). Identifiers: Orphanet 89844, MedGen C0796089, MONDO:0009760, OMIM 257320.
Familial temporal lobe epilepsy 7. Identifiers: Orphanet 101046, MedGen C4225327, MONDO:0014639, OMIM 616436.

Allele frequency attached by ClinVar (database versions not stated): gnomAD exomes below 0.00001; ExAC 0.00001.
gnomAD v4.1: 3 of 1,612,816 alleles (0.00019%); no homozygotes.

Submission:

Labcorp Genetics (formerly Invitae), Labcorp
Classification: Uncertain significance for Familial temporal lobe epilepsy 7; Norman-Roberts syndrome. Last evaluated: 2022-04-01. Review status: criteria provided, single submitter. Criteria: Invitae Variant Classification Sherloc (09022015). Collection method: clinical testing. Allele origin: germline.
Comment: Algorithms developed to predict the effect of missense changes on protein structure and function output the following: SIFT: "Deleterious"; PolyPhen-2: "Benign"; Align-GVGD: "Class C0". The isoleucine amino acid residue is found in multiple mammalian species, which suggests that this missense change does not adversely affect protein function. This variant has not been reported in the literature in individuals affected with RELN-related conditions. The frequency data for this variant in the population databases is considered unreliable, as metrics indicate poor data quality at this position in the gnomAD database. This sequence change replaces leucine, which is neutral and non-polar, with isoleucine, which is neutral and non-polar, at codon 531 of the RELN protein (p.Leu531Ile). In summary, the available evidence is currently insufficient to determine the role of this variant in disease. Therefore, it has been classified as a Variant of Uncertain Significance.